The following is an entry in ClinVar:

NM_020207.7(ERCC6L2):c.4294A>G (p.Asn1432Asp)

Gene: ERCC6L2 (ERCC excision repair 6 like 2; plus strand). Cytogenetic location: 9q22.32.
Variant type: single nucleotide variant.
Coding change: c.4294A>G on transcript NM_020207.7 (MANE Select); coding-DNA position 4294, A replaced by G.
Protein change: p.Asn1432Asp; replaces asparagine 1432 with aspartic acid.
Molecular consequence: missense variant. On other transcripts: non-coding transcript variant (1), intron variant (2).
Genome position (GRCh38, 1-based): chr9:96,012,844, A>G. VCF-style: chr9-96012844-A-G. GRCh37 (hg19) VCF-style: chr9-98775126-A-G.
Other names: c.3674+8143A>G (NM_001375291.1, NM_001375292.1); c.4327A>G (NM_020207.4); short protein forms N1432D.
Identifiers: ClinVar variation 1165817 (VCV001165817.27), dbSNP rs34949533, ClinGen allele CA5140092.

ClinVar aggregate classification (germline): Benign/Likely benign. Review status: criteria provided, multiple submitters, no conflicts (2 of 4 stars). 6 submissions from 6 submitters: Benign (2); Likely benign (3). 1 of the submissions does not count toward it. Last evaluated 2026-02-01.

Conditions:
Pancytopenia-developmental delay syndrome. Also called: Bone marrow failure syndrome 2. Identifiers: Orphanet 401764, MedGen C3810350, MONDO:0014317, OMIM 615715.
ERCC6L2-related disorder. Also called: ERCC6L2-related condition.

Allele frequency attached by ClinVar (database versions not stated): gnomAD exomes 0.00049 and 0.00110; ExAC 0.00129; ESP Exome Variant Server 0.00315; 1000 Genomes Project 0.00319; gnomAD 0.00397 and 0.00424; 1000 Genomes Project 30x 0.00406; TOPMed 0.00437.
gnomAD v4.1: 1,201 of 1,367,634 alleles (0.088%); highest among the groups gnomAD compares: African/African-American, 1.4%; 9 homozygotes.

Submissions (6):

Labcorp Genetics (formerly Invitae), Labcorp
Classification: Benign. Last evaluated: 2026-02-01. Review status: criteria provided, single submitter. Criteria: Invitae Variant Classification Sherloc (09022015). Collection method: clinical testing. Allele origin: germline.

ARUP Laboratories, Molecular Genetics and Genomics, ARUP Laboratories
Classification: Likely benign for Pancytopenia-developmental delay syndrome. Last evaluated: 2025-05-05. Review status: criteria provided, single submitter. Criteria: ARUP Molecular Germline Variant Investigation Process 2024. Collection method: clinical testing. Allele origin: germline.

Blueprint Genetics
Classification: Likely benign. Last evaluated: 2024-11-05. Review status: criteria provided, single submitter. Criteria: ACMG Guidelines, 2015. Collection method: clinical testing. Allele origin: germline.

CeGaT Center for Human Genetics Tuebingen
Classification: Likely benign. Last evaluated: 2024-10-01. Review status: criteria provided, single submitter. Criteria: CeGaT Center For Human Genetics Tuebingen Variant Classification Criteria Version 2. Collection method: clinical testing. Allele origin: germline. Affected: yes. Observed: 1 variant allele.
Comment: ERCC6L2: BS1

Breakthrough Genomics
Classification: Benign. Review status: criteria provided, single submitter. Criteria: ACMG Guidelines, 2015. Collection method: not provided. Allele origin: germline. Inheritance: Autosomal recessive inheritance. Affected: yes.

PreventionGenetics, part of Exact Sciences
Classification: Benign for ERCC6L2-related condition. Last evaluated: 2019-11-06. Review status: no assertion criteria provided. Collection method: clinical testing. Allele origin: germline. Not counted in ClinVar's aggregate classification.
Comment: This variant is classified as benign based on ACMG/AMP sequence variant interpretation guidelines (Richards et al. 2015 PMID: 25741868, with internal and published modifications).